The following is an entry in ClinVar:

ClinVar aggregate classification (germline): Benign. Review status: criteria provided, multiple submitters, no conflicts (2 of 4 stars). 11 submissions from 10 submitters: Benign (11). Last evaluated 2026-02-03.

Conditions:
Maturity-onset diabetes of the young (MODY). Also called: Maturity onset diabetes mellitus in young. Identifiers: Orphanet 552, MedGen C0342276, MONDO:0018911, HP:0004904.
Familial hyperinsulinism. Also called: Congenital hyperinsulinism. Identifiers: Orphanet 276525, MedGen C3888018, MONDO:0017182. Disease mechanism: loss of function.
Maturity-onset diabetes of the young type 1. Also called: MODY type 1; Diabetes mellitus MODY type 1; MODY HNF4A related; MILD JUVENILE DIABETES MELLITUS; HNF4A-Related Maturity-Onset Diabetes of the Young Type 1; MODY, type I. Identifiers: Orphanet 552, MedGen C1852093, MONDO:0007452, OMIM 125850. Disease mechanism: loss of function.

Allele frequency attached by ClinVar (database versions not stated): 1000 Genomes Project 0.01458; 1000 Genomes Project 30x 0.01499; ExAC 0.03355; TOPMed 0.03409; gnomAD exomes 0.03417 and 0.05258; gnomAD 0.03580 and 0.03705; ESP Exome Variant Server 0.04306.
gnomAD v4.1: 81,986 of 1,613,868 alleles (5.1%); highest among the groups gnomAD compares: Non-Finnish European, 6.2%; 2,492 homozygotes.

Submissions (11):

Labcorp Genetics (formerly Invitae), Labcorp
Classification: Benign. Last evaluated: 2026-02-03. Review status: criteria provided, single submitter. Criteria: Invitae Variant Classification Sherloc (09022015). Collection method: clinical testing. Allele origin: germline.

Athena Diagnostics
Classification: Benign. Last evaluated: 2025-10-01. Review status: criteria provided, single submitter. Criteria: Athena Diagnostics Criteria. Collection method: clinical testing. Allele origin: unknown.
Comment: The frequency of this variant in the general population is higher than would generally be expected for pathogenic variants in this gene. Computational tools yielded predictions that this variant is unlikely to have an effect on normal RNA splicing. This nucleotide position exhibits low evolutionary conservation.

Blueprint Genetics
Classification: Benign. Last evaluated: 2024-11-28. Review status: criteria provided, single submitter. Criteria: ACMG Guidelines, 2015. Collection method: clinical testing. Allele origin: germline.

Mayo Clinic Laboratories, Mayo Clinic
Classification: Benign. Last evaluated: 2022-03-09. Review status: criteria provided, single submitter. Criteria: ACMG Guidelines, 2015. Collection method: clinical testing. Allele origin: germline. Observed: 12 variant alleles.

Illumina Laboratory Services, Illumina
Classification: Benign for Maturity-onset diabetes of the young type 1. Last evaluated: 2018-01-12. Review status: criteria provided, single submitter. Criteria: ICSL Variant Classification Criteria 13 December 2019. Collection method: clinical testing. Allele origin: germline.
Comment: This variant was observed in the ICSL laboratory as part of a predisposition screen in an ostensibly healthy population. It had not been previously curated by ICSL or reported in the Human Gene Mutation Database (HGMD: prior to June 1st, 2018), and was therefore a candidate for classification through an automated scoring system. Utilizing variant allele frequency, disease prevalence and penetrance estimates, and inheritance mode, an automated score was calculated to assess if this variant is too frequent to cause the disease. Based on the score and internal cut-off values, a variant classified as benign is not then subjected to further curation. The score for this variant resulted in a classification of benign for this disease.

Illumina Laboratory Services, Illumina
Classification: Benign for Familial hyperinsulinism. Last evaluated: 2018-01-12. Review status: criteria provided, single submitter. Criteria: ICSL Variant Classification Criteria 13 December 2019. Collection method: clinical testing. Allele origin: germline.
Comment: the same text as in the submission from Illumina Laboratory Services, Illumina above.

Ambry Genetics
Classification: Benign for Maturity-onset diabetes of the young. Last evaluated: 2016-03-14. Review status: criteria provided, single submitter. Criteria: Ambry Variant Classification Scheme 2023. Collection method: clinical testing. Allele origin: germline.

GeneDx
Classification: Benign. Last evaluated: 2014-03-07. Review status: criteria provided, single submitter. Criteria: GeneDx Variant Classification (06012015). Collection method: clinical testing. Allele origin: germline. Affected: yes.
Comment: This variant is considered likely benign or benign based on one or more of the following criteria: it is a conservative change, it occurs at a poorly conserved position in the protein, it is predicted to be benign by multiple in silico algorithms, and/or has population frequency not consistent with disease.

Genetic Services Laboratory, University of Chicago
Classification: Benign for AllHighlyPenetrant. Last evaluated: 2013-03-27. Review status: criteria provided, single submitter. Criteria: ACMG Guidelines, 2007. Collection method: clinical testing. Allele origin: germline. Inheritance: Autosomal dominant inheritance.

Breakthrough Genomics
Classification: Benign. Review status: criteria provided, single submitter. Criteria: ACMG Guidelines, 2015. Collection method: not provided. Allele origin: germline. Inheritance: Autosomal dominant inheritance. Affected: yes.

PreventionGenetics, part of Exact Sciences
Classification: Benign. Review status: criteria provided, single submitter. Criteria: ACMG Guidelines, 2015. Collection method: clinical testing. Allele origin: germline.

Literature cited by the submitters: PubMed 10227563 (cited by Athena Diagnostics); PubMed 15793260 (cited by Athena Diagnostics); PubMed 15928245 (cited by Athena Diagnostics).

NM_175914.5(HNF4A):c.135C>T (p.Ala45=)

Gene: HNF4A (hepatocyte nuclear factor 4 alpha; plus strand). Cytogenetic location: 20q13.12.
Variant type: single nucleotide variant.
Coding change: c.135C>T on transcript NM_175914.5 (MANE Select); coding-DNA position 135, C replaced by T.
Protein change: p.Ala45=; no amino-acid change (alanine 45 retained).
Molecular consequence: synonymous variant.
Genome position (GRCh38, 1-based): chr20:44,406,143, C>T. VCF-style: chr20-44406143-C-T. GRCh37 (hg19) VCF-style: chr20-43034783-C-T.
Other names: p.A67A:GCC>GCT; p.Ala45=; c.201C>T, p.Ala67= (NM_000457.6, NM_178849.3, NM_178850.3); c.135C>T, p.Ala45= (NM_001030003.3, NM_001030004.3); c.180C>T, p.Ala60= (NM_001258355.2); c.126C>T, p.Ala42= (NM_001287182.2, NM_001287183.2, NM_001287184.2).
Identifiers: ClinVar variation 129238 (VCV000129238.24), dbSNP rs736823, ClinGen allele CA153106.